The following is an entry in ClinVar:

NM_177438.3(DICER1):c.5628G>T (p.Gly1876=)

Gene: DICER1 (dicer 1, ribonuclease III; minus strand). Cytogenetic location: 14q32.13.
Variant type: single nucleotide variant.
Coding change: c.5628G>T on transcript NM_177438.3 (MANE Select); coding-DNA position 5628, G replaced by T.
Protein change: p.Gly1876=; no amino-acid change (glycine 1876 retained).
Molecular consequence: synonymous variant. On other transcripts: missense variant (1), non-coding transcript variant (6).
Genome position (GRCh38, 1-based): chr14:95,090,639, C>A on the plus strand (G>T on the coding strand, the complement: DICER1 is on the minus strand). VCF-style: chr14-95090639-C-A. GRCh37 (hg19) VCF-style: chr14-95556976-C-A.
Other names: c.5465G>T, p.Gly1822Val (NM_001195573.1); c.5628G>T, p.Gly1876= (NM_001271282.3, NM_001291628.2, NM_001395677.1 and 8 more transcripts); c.5346G>T, p.Gly1782= (NM_001395686.1); c.5223G>T, p.Gly1741= (NM_001395687.1, NM_001395688.1, NM_001395689.1 and 1 more transcripts); c.5061G>T, p.Gly1687= (NM_001395691.1); c.3945G>T, p.Gly1315= (NM_001395697.1); short protein forms G1822V.
Identifiers: ClinVar variation 2026329 (VCV002026329.4), dbSNP rs1322664148, ClinGen allele CA390863662.

ClinVar aggregate classification (germline): Uncertain significance (1 of 4 stars; one submission).

Conditions:
DICER1-related tumor predisposition. Also called: DICER1 syndrome; DICER1-related pleuropulmonary blastoma cancer predisposition syndrome. Identifiers: Orphanet 284343, MedGen C3839822, MONDO:0100216.

Submission:

Labcorp Genetics (formerly Invitae), Labcorp
Classification: Uncertain significance for DICER1-related tumor predisposition. Last evaluated: 2022-08-22. Review status: criteria provided, single submitter. Criteria: Invitae Variant Classification Sherloc (09022015). Collection method: clinical testing. Allele origin: germline.
Comment: In summary, the available evidence is currently insufficient to determine the role of this variant in disease. Therefore, it has been classified as a Variant of Uncertain Significance. Algorithms developed to predict the effect of sequence changes on RNA splicing suggest that this variant may create or strengthen a splice site. This variant has not been reported in the literature in individuals affected with DICER1-related conditions. This variant is not present in population databases (gnomAD no frequency). This sequence change affects codon 1876 of the DICER1 mRNA. It is a 'silent' change, meaning that it does not change the encoded amino acid sequence of the DICER1 protein.